The following is an entry in ClinVar:

NM_015690.5(STK36):c.2043+4C>T

Gene: STK36 (serine/threonine kinase 36; plus strand). Cytogenetic location: 2q35.
Variant type: single nucleotide variant.
Coding change: c.2043+4C>T on transcript NM_015690.5 (MANE Select); 4 bases into the intron after coding-DNA position 2043, C replaced by T.
Molecular consequence: intron variant.
Genome position (GRCh38, 1-based): chr2:218,692,714, C>T. VCF-style: chr2-218692714-C-T. GRCh37 (hg19) VCF-style: chr2-219557437-C-T.
Other names: c.2043+4C>T (NM_001243313.2, NM_001369423.1).
Identifiers: ClinVar variation 3352228 (VCV003352228.2).

ClinVar aggregate classification (germline): Likely benign. Review status: criteria provided, single submitter (1 of 4 stars). 2 submissions from 2 submitters: Likely benign (1). 1 of the submissions does not count toward it. Last evaluated 2024-10-21.

Conditions:
STK36-related disorder. Also called: STK36-related condition.

Submissions (2):

Blueprint Genetics
Classification: Likely benign. Last evaluated: 2024-10-21. Review status: criteria provided, single submitter. Criteria: ACMG Guidelines, 2015. Collection method: clinical testing. Allele origin: germline.

PreventionGenetics, part of Exact Sciences
Classification: Likely benign for STK36-related condition. Last evaluated: 2024-05-24. Review status: no assertion criteria provided. Collection method: clinical testing. Allele origin: germline. Not counted in ClinVar's aggregate classification.
Comment: This variant is classified as likely benign based on ACMG/AMP sequence variant interpretation guidelines (Richards et al. 2015 PMID: 25741868, with internal and published modifications).